The following is an entry in ClinVar:

ClinVar aggregate classification (germline): Uncertain significance. Review status: criteria provided, multiple submitters, no conflicts (2 of 4 stars). 3 submissions from 3 submitters: Uncertain significance (3). Last evaluated 2021-07-15.

Conditions:
Intellectual disability, autosomal dominant 16 (CSS4). Also called: COFFIN-SIRIS SYNDROME 4. Identifiers: Orphanet 1465, MedGen C3553249, MONDO:0013821, OMIM 614609.
Hereditary cancer-predisposing syndrome. Also called: Neoplastic Syndromes, Hereditary; Tumor predisposition; Hereditary Cancer Syndrome; Hereditary neoplastic syndrome. Identifiers: Orphanet 140162, MedGen C0027672, MeSH D009386, MONDO:0015356.
Rhabdoid tumor predisposition syndrome 2 (RTPS2). Identifiers: Orphanet 231108, Orphanet 69077, MedGen C2750074, MONDO:0013224, OMIM 613325.

Allele frequency attached by ClinVar (database versions not stated): TOPMed below 0.00001; gnomAD 0.00001.
gnomAD v4.1: 1 of 1,614,042 alleles (0.000062%); highest among the groups gnomAD compares: Non-Finnish European, 0.000085%; no homozygotes.

Submissions (3):

Genome-Nilou Lab
Classification: Uncertain significance for Intellectual disability, autosomal dominant 16. Last evaluated: 2021-07-15. Review status: criteria provided, single submitter. Criteria: ACMG Guidelines, 2015. Collection method: clinical testing. Allele origin: germline. Affected: no.

Labcorp Genetics (formerly Invitae), Labcorp
Classification: Uncertain significance for Rhabdoid tumor predisposition syndrome 2. Last evaluated: 2020-01-11. Review status: criteria provided, single submitter. Criteria: Invitae Variant Classification Sherloc (09022015). Collection method: clinical testing. Allele origin: germline.
Comment: In summary, the available evidence is currently insufficient to determine the role of this variant in disease. Therefore, it has been classified as a Variant of Uncertain Significance. This variant is not present in population databases (ExAC no frequency). Algorithms developed to predict the effect of missense changes on protein structure and function are either unavailable or do not agree on the potential impact of this missense change (SIFT: "Deleterious"; PolyPhen-2: "Possibly Damaging"; Align-GVGD: "Class C15"). This variant has not been reported in the literature in individuals with SMARCA4-related conditions. ClinVar contains an entry for this variant (Variation ID: 484952). This sequence change replaces leucine with phenylalanine at codon 1092 of the SMARCA4 protein (p.Leu1092Phe). The leucine residue is highly conserved and there is a small physicochemical difference between leucine and phenylalanine.

Ambry Genetics
Classification: Uncertain significance for Hereditary cancer-predisposing syndrome. Last evaluated: 2017-02-23. Review status: criteria provided, single submitter. Criteria: Ambry Variant Classification Scheme 2023. Collection method: clinical testing. Allele origin: germline.
Comment: The p.L1092F variant (also known as c.3274C>T), located in coding exon 23 of the SMARCA4 gene, results from a C to T substitution at nucleotide position 3274. The leucine at codon 1092 is replaced by phenylalanine, an amino acid with highly similar properties. This amino acid position is highly conserved in available vertebrate species. In addition, the in silico prediction for this alteration is inconclusive. Since supporting evidence is limited at this time, the clinical significance of this alteration remains unclear.

NM_003072.5(SMARCA4):c.3274C>T (p.Leu1092Phe)

Gene: SMARCA4 (SWI/SNF related BAF chromatin remodeling complex subunit ATPase 4; plus strand). Cytogenetic location: 19p13.2.
Variant type: single nucleotide variant.
Coding change: c.3274C>T on transcript NM_003072.5 (MANE Select); coding-DNA position 3274, C replaced by T.
Protein change: p.Leu1092Phe; replaces leucine 1092 with phenylalanine.
Molecular consequence: missense variant. On other transcripts: non-coding transcript variant (1).
Genome position (GRCh38, 1-based): chr19:11,027,842, C>T. VCF-style: chr19-11027842-C-T. GRCh37 (hg19) VCF-style: chr19-11138518-C-T.
Other names: c.3274C>T, p.Leu1092Phe (NM_001128844.3, NM_001128845.2, NM_001128846.2 and 5 more transcripts); short protein forms L1092F.
Identifiers: ClinVar variation 484952 (VCV000484952.17), dbSNP rs1292810203, ClinGen allele CA404061474.
Genomic context (GRCh38, chr19:11,027,842, plus strand): 5'-AGGCTGGACCTGTACCGAGCCTCGGGTAAATTTGAGCTTCTTGATAGAATTCTTCCCAAA[C>T]TCCGAGCAACCAACCACAAAGTGCTGCTGTTCTGCCAAATGACCTCCCTCATGACCATCA-3'
Protein context (NP_003063.2, residues 1082-1102): FELLDRILPK[Leu1092Phe]RATNHKVLLF